The following is an entry in ClinVar:

ClinVar aggregate classification (germline): Uncertain significance. Review status: criteria provided, multiple submitters, no conflicts (2 of 4 stars). 2 submissions from 2 submitters: Uncertain significance (2). Last evaluated 2025-11-07.

Conditions:
PLXNA2-related disorder. Also called: PLXNA2-related condition.

gnomAD v4.1: 16 of 1,613,940 alleles (0.00099%); highest among the groups gnomAD compares: Non-Finnish European, 0.0013%; no homozygotes.

Submissions (2):

PreventionGenetics, part of Exact Sciences
Classification: Uncertain significance for PLXNA2-related condition. Last evaluated: 2025-11-07. Review status: criteria provided, single submitter. Criteria: ACMG Guidelines, 2015. Collection method: clinical testing. Allele origin: germline.
Comment: The PLXNA2 c.2884A>T variant is predicted to result in the amino acid substitution p.Ile962Phe. To our knowledge, this variant has not been reported in the literature. This variant is reported in 0.0015% of alleles in individuals of European (Non-Finnish) descent in gnomAD. At this time, the clinical significance of this variant is uncertain due to the absence of conclusive functional and genetic evidence.

Ambry Genetics
Classification: Uncertain significance. Last evaluated: 2024-12-20. Review status: criteria provided, single submitter. Criteria: Ambry Variant Classification Scheme 2023. Collection method: clinical testing. Allele origin: germline.

NM_025179.4(PLXNA2):c.2884A>T (p.Ile962Phe)

Gene: PLXNA2 (plexin A2; minus strand). Cytogenetic location: 1q32.2.
Variant type: single nucleotide variant.
Coding change: c.2884A>T on transcript NM_025179.4 (MANE Select); coding-DNA position 2884, A replaced by T.
Protein change: p.Ile962Phe; replaces isoleucine 962 with phenylalanine.
Molecular consequence: missense variant.
Genome position (GRCh38, 1-based): chr1:208,052,436, T>A on the plus strand (A>T on the coding strand, the complement: PLXNA2 is on the minus strand). VCF-style: chr1-208052436-T-A. GRCh37 (hg19) VCF-style: chr1-208225781-T-A.
Other names: short protein forms I962F.
Identifiers: ClinVar variation 3890729 (VCV003890729.2).